The following is an entry in ClinVar:

NM_001367721.1(CASK):c.1168A>C (p.Ile390Leu)

Gene: CASK (calcium/calmodulin dependent serine protein kinase; minus strand). Cytogenetic location: Xp11.4.
Variant type: single nucleotide variant.
Coding change: c.1168A>C on transcript NM_001367721.1 (MANE Select); coding-DNA position 1168, A replaced by C.
Protein change: p.Ile390Leu; replaces isoleucine 390 with leucine.
Molecular consequence: missense variant.
Genome position (GRCh38, 1-based): chrX:41,589,580, T>G on the plus strand (A>C on the coding strand, the complement: CASK is on the minus strand). VCF-style: chrX-41589580-T-G. GRCh37 (hg19) VCF-style: chrX-41448833-T-G.
Other names: c.1168A>C, p.Ile390Leu (NM_001126054.3, NM_003688.4); c.1150A>C, p.Ile384Leu (NM_001126055.3, NM_001410745.1); short protein forms I384L, I390L.
Identifiers: ClinVar variation 1310616 (VCV001310616.2), dbSNP rs2147231422, ClinGen allele CA412999482.
Genomic context (GRCh38, chrX:41,589,580, plus strand): 5'-TGGCTCTCTGTACTGCATCGCTTGGAGGATTCCTGATTTGTGGTGAAGACTTTGTGTTAA[T>G]TTTGTCATACAGCTAAAAAGCAAAGAAGAAAATCCAGTAAACACTCACAATTCTTTGCTA-3'
Protein context (NP_001354650.1, residues 380-400): LHTLLDLYDK[Ile390Leu]NTKSSPQIRN

ClinVar aggregate classification (germline): Uncertain significance (1 of 4 stars; one submission).

Submission:

GeneDx
Classification: Uncertain significance. Last evaluated: 2019-09-06. Review status: criteria provided, single submitter. Criteria: GeneDx Variant Classification Process June 2021. Collection method: clinical testing. Allele origin: germline. Affected: yes.
Comment: Not observed in large population cohorts (Lek et al., 2016); In silico analysis, which includes protein predictors and evolutionary conservation, supports that this variant does not alter protein structure/function; Has not been previously published as pathogenic or benign to our knowledge